The following is an entry in ClinVar:

NM_016553.5(NUP62):c.876G>C (p.Leu292Phe)

Genes: IL4I1 (interleukin 4 induced 1; minus strand), NUP62 (nucleoporin 62; minus strand). Cytogenetic location: 19q13.33.
Variant type: single nucleotide variant.
Coding change: c.876G>C on transcript NM_016553.5 (MANE Select); coding-DNA position 876, G replaced by C.
Protein change: p.Leu292Phe; replaces leucine 292 with phenylalanine.
Molecular consequence: missense variant. On other transcripts: intron variant (3).
Genome position (GRCh38, 1-based): chr19:49,908,932, C>G on the plus strand (G>C on the coding strand, the complement: NUP62 is on the minus strand). VCF-style: chr19-49908932-C-G. GRCh37 (hg19) VCF-style: chr19-50412189-C-G.
Other names: c.876G>C, p.Leu292Phe (NM_001193357.2, NM_012346.5, NM_153718.4 and 1 more transcripts); c.-227-4611G>C (NM_001258017.2, NM_172374.3); c.-285-4611G>C (NM_001258018.2); short protein forms L292F.
Identifiers: ClinVar variation 4768928 (VCV004768928.1).

ClinVar aggregate classification (germline): Uncertain significance (1 of 4 stars; one submission).

gnomAD v4.1: 11 of 1,607,928 alleles (0.00068%); highest among the groups gnomAD compares: Non-Finnish European, 0.00085%; no homozygotes.

Submission:

Labcorp Genetics (formerly Invitae), Labcorp
Classification: Uncertain significance. Last evaluated: 2025-02-28. Review status: criteria provided, single submitter. Criteria: Invitae Variant Classification Sherloc (09022015). Collection method: clinical testing. Allele origin: germline.
Comment: This sequence change replaces leucine, which is neutral and non-polar, with phenylalanine, which is neutral and non-polar, at codon 292 of the NUP62 protein (p.Leu292Phe). This variant is present in population databases (rs770477829, gnomAD 0.0009%). This variant has not been reported in the literature in individuals affected with NUP62-related conditions. An algorithm developed to predict the effect of missense changes on protein structure and function (PolyPhen-2) suggests that this variant is likely to be tolerated. In summary, the available evidence is currently insufficient to determine the role of this variant in disease. Therefore, it has been classified as a Variant of Uncertain Significance.